The following is an entry in ClinVar:

ClinVar aggregate classification (germline): Uncertain significance (1 of 4 stars; one submission).

Allele frequency attached by ClinVar (database versions not stated): ExAC 0.00001; gnomAD 0.00001; TOPMed 0.00001; 1000 Genomes Project 30x 0.00016; 1000 Genomes Project 0.00020.
gnomAD v4.1: 15 of 1,614,194 alleles (0.00093%); highest among the groups gnomAD compares: Non-Finnish European, 0.0012%; no homozygotes.

Submission:

Labcorp Genetics (formerly Invitae), Labcorp
Classification: Uncertain significance. Last evaluated: 2018-08-26. Review status: criteria provided, single submitter. Criteria: Invitae Variant Classification Sherloc (09022015). Collection method: clinical testing. Allele origin: germline.
Comment: In summary, the available evidence is currently insufficient to determine the role of this variant in disease. Therefore, it has been classified as a Variant of Uncertain Significance. Algorithms developed to predict the effect of missense changes on protein structure and function (SIFT, PolyPhen-2, Align-GVGD) all suggest that this variant is likely to be disruptive, but these predictions have not been confirmed by published functional studies and their clinical significance is uncertain. This sequence change replaces leucine with proline at codon 43 of the A2ML1 protein (p.Leu43Pro). The leucine residue is moderately conserved and there is a moderate physicochemical difference between leucine and proline. This variant is present in population databases (rs774360683, ExAC 0.006%). This variant has not been reported in the literature in individuals with A2ML1-related disease.

NM_144670.6(A2ML1):c.128T>C (p.Leu43Pro)

Genes: A2ML1 (alpha-2-macroglobulin like 1; plus strand), A2ML1-AS1 (A2ML1 antisense RNA 1; minus strand). Cytogenetic location: 12p13.31.
Variant type: single nucleotide variant.
Coding change: c.128T>C on transcript NM_144670.6 (MANE Select); coding-DNA position 128, T replaced by C.
Protein change: p.Leu43Pro; replaces leucine 43 with proline.
Molecular consequence: missense variant.
Genome position (GRCh38, 1-based): chr12:8,823,247, T>C. VCF-style: chr12-8823247-T-C. GRCh37 (hg19) VCF-style: chr12-8975843-T-C.
Other names: short protein forms L43P.
Identifiers: ClinVar variation 646366 (VCV000646366.9), dbSNP rs774360683, ClinGen allele CA6435174.
Genomic context (GRCh38, chr12:8,823,247, plus strand): 5'-ACCTGGTGACATTACCAGCCCGGCTAAATTTCCCCTCCGTTCAGAAGGTTTGTTTGGACC[T>C]GAGCCCTGGGTACAGTGATGTTAAATTCACGGTTACTCTGGAGACCAAGGACAAGACCCA-3'
Protein context (NP_653271.3, residues 33-53): FPSVQKVCLD[Leu43Pro]SPGYSDVKFT